The following is an entry in ClinVar:

NM_058246.4(DNAJB6):c.388C>T (p.Arg130Ter)

Gene: DNAJB6 (DnaJ heat shock protein family (Hsp40) member B6; plus strand). Cytogenetic location: 7q36.3.
Variant type: single nucleotide variant.
Coding change: c.388C>T on transcript NM_058246.4 (MANE Select); coding-DNA position 388, C replaced by T.
Protein change: p.Arg130Ter; replaces arginine 130 with a stop codon.
Molecular consequence: nonsense. On other transcripts: intron variant (1).
Genome position (GRCh38, 1-based): chr7:157,382,287, C>T. VCF-style: chr7-157382287-C-T. GRCh37 (hg19) VCF-style: chr7-157174981-C-T.
Other names: c.388C>T, p.Arg130Ter (NM_005494.3); c.346+14804C>T (NM_001363676.1); short protein forms R130*.
Identifiers: ClinVar variation 950078 (VCV000950078.9), dbSNP rs1302887386, ClinGen allele CA370166377.
Genomic context (GRCh38, chr7:157,382,287, plus strand): 5'-TGTTTATGTTTGATTTTAGAAGACCCTTTTGAGGACTTCTTTGGGAATCGAAGGGGTCCC[C>T]GAGGAAGCAGAAGCCGAGGGACGGGGTCGTTTTTCTCTGCGTTCAGTGGATTTCCGTCTT-3'

ClinVar aggregate classification (germline): Uncertain significance. Review status: criteria provided, multiple submitters, no conflicts (2 of 4 stars). 2 submissions from 2 submitters: Uncertain significance (2). Last evaluated 2025-04-23.

Conditions:
Autosomal dominant limb-girdle muscular dystrophy type 1D (DNAJB6) (LGMDD1). Also called: Autosomal dominant limb-girdle muscular dystrophy type 1D; Muscular dystrophy, limb-girdle, autosomal dominant 1; MUSCULAR DYSTROPHY, AUTOSOMAL DOMINANT, WITH RIMMED VACUOLES; MUSCULAR DYSTROPHY, LIMB-GIRDLE, TYPE 1D. Identifiers: Orphanet 34516, MedGen C4721885, MONDO:0021018, OMIM 603511.

Allele frequency attached by ClinVar (database versions not stated): gnomAD exomes below 0.00001 and 0.00001.

Submissions (2):

Labcorp Genetics (formerly Invitae), Labcorp
Classification: Uncertain significance for Autosomal dominant limb-girdle muscular dystrophy type 1D (DNAJB6). Last evaluated: 2025-04-23. Review status: criteria provided, single submitter. Criteria: Invitae Variant Classification Sherloc (09022015). Collection method: clinical testing. Allele origin: germline.
Comment: This sequence change creates a premature translational stop signal (p.Arg130*) in the DNAJB6 gene. It is expected to result in an absent or disrupted protein product. However, the current clinical and genetic evidence is not sufficient to establish whether loss-of-function variants in DNAJB6 cause disease. This variant is present in population databases (no rsID available, gnomAD 0.01%). This variant has not been reported in the literature in individuals affected with DNAJB6-related conditions. ClinVar contains an entry for this variant (Variation ID: 950078). In summary, the available evidence is currently insufficient to determine the role of this variant in disease. Therefore, it has been classified as a Variant of Uncertain Significance.

Blueprint Genetics
Classification: Uncertain significance. Last evaluated: 2024-06-05. Review status: criteria provided, single submitter. Criteria: ACMG Guidelines, 2015. Collection method: clinical testing. Allele origin: germline.